The following is an entry in ClinVar:

ClinVar aggregate classification (germline): Likely benign (1 of 4 stars; one submission).

Conditions:
Catecholaminergic polymorphic ventricular tachycardia (CVPT). Also called: Catecholamine-induced polymorphic ventricular tachycardia. Identifiers: Orphanet 3286, MedGen C5574922, MONDO:0017990.

Submission:

All of Us Research Program, National Institutes of Health
Classification: Likely benign for Catecholaminergic polymorphic ventricular tachycardia. Last evaluated: 2023-05-16. Review status: criteria provided, single submitter. Criteria: ACMG Guidelines, 2015. Collection method: clinical testing. Allele origin: germline. Inheritance: Autosomal dominant inheritance. Observed: 1 variant allele, 1 heterozygote.
Comment: This study involves interpretation of variants in research participants for the purpose of population health screening. Participant phenotype was not available at the time of variant classification. Additional details can be found in publication PMID: 35346344, PMCID: PMC8962531

NM_001035.3(RYR2):c.9018-3C>T

Gene: RYR2 (ryanodine receptor 2; plus strand). Cytogenetic location: 1q43.
Variant type: single nucleotide variant.
Coding change: c.9018-3C>T on transcript NM_001035.3 (MANE Select); 3 bases into the intron before coding-DNA position 9018, C replaced by T.
Molecular consequence: intron variant.
Genome position (GRCh38, 1-based): chr1:237,687,452, C>T. VCF-style: chr1-237687452-C-T. GRCh37 (hg19) VCF-style: chr1-237850752-C-T.
Identifiers: ClinVar variation 3071182 (VCV003071182.1), dbSNP rs1376250784, ClinGen allele CA529552051.